The following is an entry in ClinVar:

ClinVar aggregate classification (germline): Likely benign. Review status: criteria provided, multiple submitters, no conflicts (2 of 4 stars). 3 submissions from 3 submitters: Likely benign (3). Last evaluated 2025-02-16.

Conditions:
Inborn genetic diseases. Identifiers: MedGen C0950123, MeSH D030342.

Allele frequency attached by ClinVar (database versions not stated): gnomAD exomes 0.00043; ESP Exome Variant Server 0.00046; ExAC 0.00056; gnomAD 0.00072; TOPMed 0.00074.
gnomAD v4.1: 763 of 1,611,878 alleles (0.047%); highest among the groups gnomAD compares: Admixed American, 0.05%; no homozygotes.

Submissions (3):

Laboratory of Genetics, Children's Clinical University Hospital Latvia
Classification: Likely benign. Last evaluated: 2025-02-16. Review status: criteria provided, single submitter. Criteria: ACMG Guidelines, 2015. Collection method: clinical testing. Allele origin: germline. Affected: yes.

CeGaT Center for Human Genetics Tuebingen
Classification: Likely benign. Last evaluated: 2024-10-01. Review status: criteria provided, single submitter. Criteria: CeGaT Center For Human Genetics Tuebingen Variant Classification Criteria Version 2. Collection method: clinical testing. Allele origin: germline. Affected: yes. Observed: 1 variant allele.
Comment: SLC4A3: BP4

Ambry Genetics
Classification: Likely benign for Inborn genetic diseases. Last evaluated: 2022-06-30. Review status: criteria provided, single submitter. Criteria: Ambry Variant Classification Scheme 2023. Collection method: clinical testing. Allele origin: germline.

NM_005070.4(SLC4A3):c.612-26C>T

Gene: SLC4A3 (solute carrier family 4 member 3; plus strand). Cytogenetic location: 2q35.
Variant type: single nucleotide variant.
Coding change: c.612-26C>T on transcript NM_005070.4 (MANE Select); 26 bases into the intron before coding-DNA position 612, C replaced by T.
Molecular consequence: intron variant. On other transcripts: missense variant (2).
Genome position (GRCh38, 1-based): chr2:219,630,127, C>T. VCF-style: chr2-219630127-C-T. GRCh37 (hg19) VCF-style: chr2-220494849-C-T.
Other names: c.667C>T, p.Pro223Ser (NM_001326559.2, NM_201574.3); short protein forms P223S.
Identifiers: ClinVar variation 3165092 (VCV003165092.16), dbSNP rs138184188, ClinGen allele CA2133671.